The following is an entry in ClinVar:

NM_001394998.1(TANC2):c.4366T>C (p.Cys1456Arg)

Gene: TANC2 (tetratricopeptide repeat, ankyrin repeat and coiled-coil containing 2; plus strand). Cytogenetic location: 17q23.3.
Variant type: single nucleotide variant.
Coding change: c.4366T>C on transcript NM_001394998.1 (MANE Select); coding-DNA position 4366, T replaced by C.
Protein change: p.Cys1456Arg; replaces cysteine 1456 with arginine.
Molecular consequence: missense variant.
Genome position (GRCh38, 1-based): chr17:63,420,096, T>C. VCF-style: chr17-63420096-T-C. GRCh37 (hg19) VCF-style: chr17-61497457-T-C.
Other names: c.4144T>C, p.Cys1382Arg (NM_001411076.1); c.4114T>C, p.Cys1372Arg (NM_025185.4); short protein forms C1372R, C1382R, C1456R.
Identifiers: ClinVar variation 2499279 (VCV002499279.1), dbSNP rs2048975908, ClinGen allele CA400541141.

ClinVar aggregate classification (germline): Uncertain significance (1 of 4 stars; one submission).

Allele frequency attached by ClinVar (database versions not stated): gnomAD exomes below 0.00001; gnomAD 0.00001.
gnomAD v4.1: 4 of 1,551,048 alleles (0.00026%); highest among the groups gnomAD compares: South Asian, 0.0012%; no homozygotes.

Submission:

GeneDx
Classification: Uncertain significance. Last evaluated: 2022-10-11. Review status: criteria provided, single submitter. Criteria: GeneDx Variant Classification Process June 2021. Collection method: clinical testing. Allele origin: germline. Affected: yes.
Comment: Not observed at significant frequency in large population cohorts (gnomAD); In silico analysis supports that this missense variant has a deleterious effect on protein structure/function; Has not been previously published as pathogenic or benign to our knowledge